The following is an entry in ClinVar:

NM_000466.3(PEX1):c.2926+1del

Genes: GATAD1 (GATA zinc finger domain containing 1; plus strand), PEX1 (peroxisomal biogenesis factor 1; minus strand). Cytogenetic location: 7q21.2.
Variant type: Deletion.
Coding change: c.2926+1del on transcript NM_000466.3 (MANE Select); the canonical splice donor site of the intron after coding-DNA position 2926, one base deleted (G; older notation c.2926+1delG).
Molecular consequence: splice donor variant.
Genome position (GRCh38, 1-based): chr7:92,494,486, C deleted on the plus strand (G on the coding strand, the reverse complement: PEX1 is on the minus strand); the first of 3 consecutive C bases (chr7:92,494,486-92,494,488); deleting any one gives the same sequence. VCF-style (leftmost placement, unchanged base first): chr7-92494485-AC-A. GRCh37 (hg19) VCF-style: chr7-92123799-AC-A.
Other names: c.2755+1del (NM_001282677.2); c.2302+1del (NM_001282678.2).
Identifiers: ClinVar variation 938252 (VCV000938252.10), dbSNP rs1791544171, ClinGen allele CA1139660132.

ClinVar aggregate classification (germline): Pathogenic (1 of 4 stars; one submission).

Conditions:
Zellweger spectrum disorders (ZS). Also called: Zellweger Spectrum Disorder (ZSD); Zellweger syndrome; Zellweger Spectrum Disorder; Zellweger Spectrum. Identifiers: Orphanet 912, MedGen C0043459, MONDO:0019609.

Submission:

Labcorp Genetics (formerly Invitae), Labcorp
Classification: Pathogenic for Zellweger spectrum disorders. Last evaluated: 2023-03-23. Review status: criteria provided, single submitter. Criteria: Invitae Variant Classification Sherloc (09022015). Collection method: clinical testing. Allele origin: germline.
Comment: This sequence change affects a splice site in intron 18 of the PEX1 gene. It is expected to disrupt RNA splicing. Variants that disrupt the donor or acceptor splice site typically lead to a loss of protein function (PMID: 16199547), and loss-of-function variants in PEX1 are known to be pathogenic (PMID: 9398847, 16086329, 16141001, 21031596, 26387595, 31831025). This variant is not present in population databases (gnomAD no frequency). Disruption of this splice site has been observed in individuals with Zellweger syndrome spectrum disorders (PMID: 15542397, 19105186). ClinVar contains an entry for this variant (Variation ID: 938252). Algorithms developed to predict the effect of sequence changes on RNA splicing suggest that this variant may disrupt the consensus splice site. For these reasons, this variant has been classified as Pathogenic.

Literature cited by the submitters: PubMed 16199547; PubMed 9398847; PubMed 16086329; PubMed 16141001; PubMed 21031596; PubMed 26387595; PubMed 31831025; PubMed 15542397; PubMed 19105186.